The following is an entry in ClinVar:

ClinVar aggregate classification (germline): Conflicting classifications of pathogenicity. Review status: criteria provided, conflicting classifications (1 of 4 stars). 5 submissions from 3 submitters: Uncertain significance (4); Likely benign (1). Last evaluated 2026-01-09.

Conditions:
Charcot-Marie-Tooth disease axonal type 2X. Also called: CHARCOT-MARIE-TOOTH DISEASE, AXONAL, AUTOSOMAL RECESSIVE, TYPE 2X; CHARCOT-MARIE-TOOTH NEUROPATHY, TYPE 2X. Identifiers: Orphanet 466775, MedGen C5569024, MONDO:0014726, OMIM 616668.
Hereditary spastic paraplegia 11. Also called: Nakamura Osame syndrome; Autosomal recessive hereditary spastic paraplegia, mental impairment, and thin corpus callosum; Spastic paraplegia, mental retardation and thin corpus callosum; SPASTIC PARAPLEGIA, AUTOSOMAL RECESSIVE, COMPLICATED, WITH THIN CORPUS CALLOSUM; SPASTIC PARAPLEGIA, AUTOSOMAL RECESSIVE, WITH MENTAL IMPAIRMENT AND THIN CORPUS CALLOSUM; Spastic Paraplegia 11. Identifiers: Orphanet 2822, MedGen C1858479, MONDO:0011445, OMIM 604360.
Amyotrophic lateral sclerosis type 5 (ALS5). Also called: AMYOTROPHIC LATERAL SCLEROSIS 5, JUVENILE. Identifiers: Orphanet 300605, MedGen C1865864, MONDO:0011196, OMIM 602099.

Allele frequency attached by ClinVar (database versions not stated): gnomAD 0.00001; TOPMed 0.00002.
gnomAD v4.1: 25 of 1,614,068 alleles (0.0015%); highest among the groups gnomAD compares: East Asian, 0.049%; no homozygotes.

Submissions (5):

Labcorp Genetics (formerly Invitae), Labcorp
Classification: Likely benign for Hereditary spastic paraplegia 11. Last evaluated: 2026-01-09. Review status: criteria provided, single submitter. Criteria: Invitae Variant Classification Sherloc (09022015). Collection method: clinical testing. Allele origin: germline.

Illumina Laboratory Services, Illumina
Classification: Uncertain significance for Hereditary spastic paraplegia 11. Last evaluated: 2018-01-09. Review status: criteria provided, single submitter. Criteria: ICSL Variant Classification Criteria 13 December 2019. Collection method: clinical testing. Allele origin: germline.
Comment: This variant was observed as part of a predisposition screen in an ostensibly healthy population. A literature search was performed for the gene, cDNA change, and amino acid change (where applicable). Publications were found based on this search. However, the evidence from the literature, in combination with allele frequency data from public databases where available, was not sufficient to rule this variant in or out of causing disease. Therefore, this variant is classified as a variant of unknown significance.

Genome-Nilou Lab
Classification: Uncertain significance for Charcot-Marie-Tooth disease axonal type 2X. Review status: criteria provided, single submitter. Criteria: ACMG Guidelines, 2015. Collection method: clinical testing. Allele origin: germline.

Genome-Nilou Lab
Classification: Uncertain significance for Hereditary spastic paraplegia 11. Review status: criteria provided, single submitter. Criteria: ACMG Guidelines, 2015. Collection method: clinical testing. Allele origin: germline.

Genome-Nilou Lab
Classification: Uncertain significance for Amyotrophic lateral sclerosis type 5. Review status: criteria provided, single submitter. Criteria: ACMG Guidelines, 2015. Collection method: clinical testing. Allele origin: germline.

Literature cited by the submitters: PubMed 26742954 (cited by Illumina Laboratory Services, Illumina).

NM_025137.4(SPG11):c.7258T>A (p.Phe2420Ile)

Gene: SPG11 (SPG11 vesicle trafficking associated, spatacsin; minus strand). Cytogenetic location: 15q21.1.
Variant type: single nucleotide variant.
Coding change: c.7258T>A on transcript NM_025137.4 (MANE Select); coding-DNA position 7258, T replaced by A.
Protein change: p.Phe2420Ile; replaces phenylalanine 2420 with isoleucine.
Molecular consequence: missense variant.
Genome position (GRCh38, 1-based): chr15:44,563,195, A>T on the plus strand (T>A on the coding strand, the complement: SPG11 is on the minus strand). VCF-style: chr15-44563195-A-T. GRCh37 (hg19) VCF-style: chr15-44855393-A-T.
Other names: c.6919T>A, p.Phe2307Ile (NM_001160227.2); short protein forms F2307I, F2420I.
Identifiers: ClinVar variation 885493 (VCV000885493.12), dbSNP rs779900397, ClinGen allele CA7533836.